The following is an entry in ClinVar:

NM_000419.5(ITGA2B):c.1627C>T (p.Arg543Trp)

Gene: ITGA2B (integrin subunit alpha 2b; minus strand). Cytogenetic location: 17q21.31.
Variant type: single nucleotide variant.
Coding change: c.1627C>T on transcript NM_000419.5 (MANE Select); coding-DNA position 1627, C replaced by T.
Protein change: p.Arg543Trp; replaces arginine 543 with tryptophan.
Molecular consequence: missense variant.
Genome position (GRCh38, 1-based): chr17:44,380,127, G>A on the plus strand (C>T on the coding strand, the complement: ITGA2B is on the minus strand). VCF-style: chr17-44380127-G-A. GRCh37 (hg19) VCF-style: chr17-42457495-G-A.
Other names: c.1627C>T (LRG_479t1); short protein forms R543W.
Identifiers: ClinVar variation 323553 (VCV000323553.23), dbSNP rs143967758, ClinGen allele CA8602998.
Genomic context (GRCh38, chr17:44,380,127, plus strand): 5'-TGGTGCCTGCCTGTTGAGAGCCCAGCAGCAGCACCCGCCGGCCCTGGCGGGGCTTCTGCC[G>A]GTCCAGCTGCAGCTCGGCATTTAGGGCTGGCAGGGCAAGCAGAAGAGTCAGGACCTCCCT-3'
Protein context (NP_000410.2, residues 533-553): LSLNAELQLD[Arg543Trp]QKPRQGRRVL

ClinVar aggregate classification (germline): Benign. Review status: reviewed by expert panel (3 of 4 stars). 8 submissions from 8 submitters: Benign (1). 7 of the submissions do not count toward it. Last evaluated 2020-06-04.

Conditions:
Glanzmann thrombasthenia. Also called: THROMBASTHENIA OF GLANZMANN AND NAEGELI; Glanzmann's thrombasthenia; PLATELET GLYCOPROTEIN IIb-IIIa DEFICIENCY; Thrombasthenia. Identifiers: Orphanet 849, MedGen C0040015, MONDO:0100326.
ITGA2B-related disorder. Also called: ITGA2B-related disorders; ITGA2B-related condition.
Platelet-type bleeding disorder 16 (BDPLT16). Also called: Bleeding disorder, platelet-type, 16, autosomal dominant. Identifiers: Orphanet 140957, MedGen C5442010, MONDO:0008552, OMIM 187800.
Glanzmann thrombasthenia 1 (GT1). Also called: BLEEDING DISORDER, PLATELET-TYPE, 2; GP IIb-IIIa COMPLEX DEFICIENCY; GLYCOPROTEIN COMPLEX IIb-IIIa DEFICIENCY; PLATELET FIBRINOGEN RECEPTOR DEFICIENCY. Identifiers: MedGen CN300358, MONDO:0031332, OMIM 273800.

Allele frequency attached by ClinVar (database versions not stated): 1000 Genomes Project 30x 0.00234; 1000 Genomes Project 0.00240; ESP Exome Variant Server 0.00254; gnomAD 0.00277; TOPMed 0.00340.
gnomAD v4.1: 1,026 of 1,613,786 alleles (0.064%); highest among the groups gnomAD compares: African/African-American, 1.1%; 6 homozygotes.

Submissions (8):

ClinGen Platelet Disorders Variant Curation Expert Panel, ClinGen
Classification: Benign for Glanzmann thrombasthenia. Last evaluated: 2020-06-04. Review status: reviewed by expert panel. Criteria: ClinGen Platelet ACMG Specifications v2. Collection method: curation. Allele origin: germline. Inheritance: Autosomal recessive inheritance.
Comment: The NM_000419.5:c.1627C>T (p.Arg543Trp) variant occurs at an allele frequency of 0.00968 in the gnomAD African population and is predicted by REVEL score of 0.229 to have no impact. In summary, the variant is classified as benign. GT-specific criteria applied: BA1 and BP4.

Labcorp Genetics (formerly Invitae), Labcorp
Classification: Benign for Glanzmann thrombasthenia. Last evaluated: 2026-02-01. Review status: criteria provided, single submitter. Criteria: Invitae Variant Classification Sherloc (09022015). Collection method: clinical testing. Allele origin: germline. Not counted in ClinVar's aggregate classification.

Blueprint Genetics
Classification: Likely benign. Last evaluated: 2024-11-27. Review status: criteria provided, single submitter. Criteria: ACMG Guidelines, 2015. Collection method: clinical testing. Allele origin: germline. Not counted in ClinVar's aggregate classification.

Mayo Clinic Laboratories, Mayo Clinic
Classification: Likely benign. Last evaluated: 2023-12-26. Review status: criteria provided, single submitter. Criteria: ACMG Guidelines, 2015. Collection method: clinical testing. Allele origin: germline. Observed: 2 variant alleles. Not counted in ClinVar's aggregate classification.
Comment: BS1, BP4, BP6

Department of Pathology and Laboratory Medicine, Sinai Health System
Classification: Likely benign for Platelet-type bleeding disorder 16; Glanzmann thrombasthenia 1. Last evaluated: 2021-07-30. Review status: criteria provided, single submitter. Criteria: ACMG Guidelines, 2015. Collection method: research. Allele origin: germline. Not counted in ClinVar's aggregate classification.

Genetic Services Laboratory, University of Chicago
Classification: Uncertain significance. Last evaluated: 2020-06-10. Review status: criteria provided, single submitter. Criteria: ACMG Guidelines, 2015. Collection method: clinical testing. Allele origin: germline. Affected: no. Not counted in ClinVar's aggregate classification.
Comment: DNA sequence analysis of the ITGA2B gene demonstrated a sequence change, c.1627C>T, in exon 17 that results in an amino acid change, p.Arg543Trp. This sequence change does not appear to have been previously described in patients with ITGA2B-related disorders and has been described in the gnomAD database with a relatively high frequency of 0.97% in the African sub-population (dbSNP rs143967758). The p.Arg543Trp change affects a poorly conserved amino acid residue located in a domain of the ITGA2B protein that is known to be functional. In-silico pathogenicity prediction tools (SIFT, PolyPhen2, Align GVGD, REVEL) provide contradictory results for the p.Arg543Trp substitution. Due to these contrasting evidences and the lack of functional studies, the clinical significance of the p.Arg543Trp change remains unknown at this time.

Illumina Laboratory Services, Illumina
Classification: Likely benign for Glanzmann thrombasthenia 1. Last evaluated: 2018-01-13. Review status: criteria provided, single submitter. Criteria: ICSL Variant Classification Criteria 13 December 2019. Collection method: clinical testing. Allele origin: germline. Not counted in ClinVar's aggregate classification.
Comment: This variant was observed in the ICSL laboratory as part of a predisposition screen in an ostensibly healthy population. It had not been previously curated by ICSL or reported in the Human Gene Mutation Database (HGMD: prior to June 1st, 2018), and was therefore a candidate for classification through an automated scoring system. Utilizing variant allele frequency, disease prevalence and penetrance estimates, and inheritance mode, an automated score was calculated to assess if this variant is too frequent to cause the disease. Based on the score and internal cut-off values, a variant classified as likely benign is not then subjected to further curation. The score for this variant resulted in a classification of likely benign for this disease.

PreventionGenetics, part of Exact Sciences
Classification: Likely benign for ITGA2B-related condition. Last evaluated: 2019-06-28. Review status: no assertion criteria provided. Collection method: clinical testing. Allele origin: germline. Not counted in ClinVar's aggregate classification.
Comment: This variant is classified as likely benign based on ACMG/AMP sequence variant interpretation guidelines (Richards et al. 2015 PMID: 25741868, with internal and published modifications).